The following is an entry in ClinVar:

ClinVar aggregate classification (germline): Uncertain significance (1 of 4 stars; one submission).

Conditions:
Von Hippel-Lindau syndrome (VHLS). Also called: Von Hippel-Lindau; von Hippel–Lindau syndrome; VHL syndrome. Identifiers: Orphanet 892, MedGen C0019562, MONDO:0008667, OMIM 193300. Disease mechanism: loss of function.
Chuvash polycythemia. Also called: POLYCYTHEMIA, VHL-DEPENDENT. Identifiers: Orphanet 238557, MedGen C1837915, MONDO:0009892, OMIM 263400.

Submission:

Labcorp Genetics (formerly Invitae), Labcorp
Classification: Uncertain significance for Von Hippel-Lindau syndrome; Chuvash polycythemia. Last evaluated: 2017-05-16. Review status: criteria provided, single submitter. Criteria: Invitae Variant Classification Sherloc (09022015). Collection method: clinical testing. Allele origin: germline.
Comment: In summary, this variant is a novel missense change with uncertain impact on protein function. It has been classified as a Variant of Uncertain Significance. Algorithms developed to predict the effect of missense changes on protein structure and function do not agree on the potential impact of this missense change (SIFT: "Deleterious"; PolyPhen-2: "Possibly Damaging"; Align-GVGD: "Class C0"). This variant is not present in population databases (ExAC no frequency) and has not been reported in the literature in individuals with a VHL-related disease. This sequence change replaces glycine with alanine at codon 29 of the VHL protein (p.Gly29Ala). The glycine residue is weakly conserved and there is a small physicochemical difference between glycine and alanine.

NM_000551.4(VHL):c.86G>C (p.Gly29Ala)

Gene: VHL (von Hippel-Lindau tumor suppressor; plus strand). Cytogenetic location: 3p25.3.
Variant type: single nucleotide variant.
Coding change: c.86G>C on transcript NM_000551.4 (MANE Select); coding-DNA position 86, G replaced by C.
Protein change: p.Gly29Ala; replaces glycine 29 with alanine.
Molecular consequence: missense variant.
Genome position (GRCh38, 1-based): chr3:10,141,933, G>C. VCF-style: chr3-10141933-G-C. GRCh37 (hg19) VCF-style: chr3-10183617-G-C.
Other names: c.86G>C, p.Gly29Ala (NM_001354723.2, NM_198156.3); short protein forms G29A.
Identifiers: ClinVar variation 456596 (VCV000456596.9), dbSNP rs1553619321, ClinGen allele CA351747542.